The following is an entry in ClinVar:

NM_003072.5(SMARCA4):c.1809C>T (p.Gly603=)

Gene: SMARCA4 (SWI/SNF related BAF chromatin remodeling complex subunit ATPase 4; plus strand). Cytogenetic location: 19p13.2.
Variant type: single nucleotide variant.
Coding change: c.1809C>T on transcript NM_003072.5 (MANE Select); coding-DNA position 1809, C replaced by T.
Protein change: p.Gly603=; no amino-acid change (glycine 603 retained).
Molecular consequence: synonymous variant. On other transcripts: non-coding transcript variant (1).
Genome position (GRCh38, 1-based): chr19:10,996,541, C>T. VCF-style: chr19-10996541-C-T. GRCh37 (hg19) VCF-style: chr19-11107217-C-T.
Other names: c.1809C>T, p.Gly603= (NM_001128844.3, NM_001128845.2, NM_001128846.2 and 5 more transcripts).
Identifiers: ClinVar variation 537808 (VCV000537808.16), dbSNP rs1212410709, ClinGen allele CA505490723.

ClinVar aggregate classification (germline): Conflicting classifications of pathogenicity. Review status: criteria provided, conflicting classifications (1 of 4 stars). 4 submissions from 4 submitters: Uncertain significance (1); Likely benign (2). 1 of the submissions does not count toward it. Last evaluated 2025-12-28.

Conditions:
Hereditary cancer-predisposing syndrome. Also called: Tumor predisposition; Hereditary Cancer Syndrome; Hereditary neoplastic syndrome; Neoplastic Syndromes, Hereditary. Identifiers: Orphanet 140162, MedGen C0027672, MeSH D009386, MONDO:0015356.
SMARCA4-related disorder. Also called: SMARCA4-related condition.
Rhabdoid tumor predisposition syndrome 2 (RTPS2). Identifiers: Orphanet 231108, Orphanet 69077, MedGen C2750074, MONDO:0013224, OMIM 613325.

Allele frequency attached by ClinVar (database versions not stated): gnomAD exomes 0.00001; TOPMed 0.00001.
gnomAD v4.1: 6 of 1,613,990 alleles (0.00037%); highest among the groups gnomAD compares: East Asian, 0.0045%; no homozygotes.

Submissions (4):

Labcorp Genetics (formerly Invitae), Labcorp
Classification: Likely benign for Rhabdoid tumor predisposition syndrome 2. Last evaluated: 2025-12-28. Review status: criteria provided, single submitter. Criteria: Invitae Variant Classification Sherloc (09022015). Collection method: clinical testing. Allele origin: germline.

GeneDx
Classification: Uncertain significance. Last evaluated: 2023-07-11. Review status: criteria provided, single submitter. Criteria: GeneDx Variant Classification Process June 2021. Collection method: clinical testing. Allele origin: germline. Affected: yes.
Comment: Has not been previously published as pathogenic or benign to our knowledge; In silico analysis suggests this variant may impact gene splicing. In the absence of RNA/functional studies, the actual effect of this sequence change is unknown.

Ambry Genetics
Classification: Likely benign for Hereditary cancer-predisposing syndrome. Last evaluated: 2019-10-30. Review status: criteria provided, single submitter. Criteria: Ambry Variant Classification Scheme 2023. Collection method: clinical testing. Allele origin: germline.

PreventionGenetics, part of Exact Sciences
Classification: Uncertain significance for SMARCA4-related condition. Last evaluated: 2024-02-23. Review status: no assertion criteria provided. Collection method: clinical testing. Allele origin: germline. Not counted in ClinVar's aggregate classification.
Comment: The SMARCA4 c.1809C>T variant is not predicted to result in an amino acid change (p.=). This variant is predicted to alter splicing based on available splicing prediction programs (SpliceAI, Jaganathan et al. 2019. PubMed ID: 30661751). To our knowledge, this variant has not been reported in the literature. This variant is reported in 0.011% of alleles in individuals of East Asian descent in gnomAD. At this time, the clinical significance of this variant is uncertain due to the absence of conclusive functional and genetic evidence.